The following is an entry in ClinVar:

NM_001277115.2(DNAH11):c.13531_*36del (p.Ala4511_Ter4517del)

Genes: CDCA7L (cell division cycle associated 7 like; minus strand), DNAH11 (dynein axonemal heavy chain 11; plus strand). Cytogenetic location: 7p15.3.
Variant type: Deletion.
Coding change: c.13531_*36del on transcript NM_001277115.2 (MANE Select); coding-DNA position 13531 through 36 bases downstream of the stop codon, 57 bases deleted.
Protein change: p.Ala4511_Ter4517del.
Molecular consequence: stop lost, inframe deletion. On other transcripts: 3 prime UTR variant (3).
Genome position (GRCh38, 1-based): chr7:21,901,234-21,901,290, 57 bases deleted. GRCh37 (hg19): chr7:21,940,852-21,940,908.
Other names: NM_001277115.2(DNAH11):c.13531_*36del; p.Ala4511_Ter4517del; c.*1041_*1097del (NM_001127370.3, NM_001127371.3, NM_018719.5); c.13552_*36del (NM_003777.3).
Identifiers: ClinVar variation 6476 (VCV000006476.4), dbSNP rs1554294478, ClinGen allele CA340596.

ClinVar aggregate classification (germline): Likely pathogenic. Review status: criteria provided, single submitter (1 of 4 stars). 2 submissions from 2 submitters: Likely pathogenic (1). 1 of the submissions does not count toward it. Last evaluated 2025-02-20.

Conditions:
Primary ciliary dyskinesia 7. Also called: CILIARY DYSKINESIA, PRIMARY, 7, WITH OR WITHOUT SITUS INVERSUS. Identifiers: Orphanet 244, MedGen C2678473, MONDO:0012748, OMIM 611884.

Submissions (2):

Broad Center for Mendelian Genomics, Broad Institute of MIT and Harvard
Classification: Likely pathogenic for Primary ciliary dyskinesia 7. Last evaluated: 2025-02-20. Review status: criteria provided, single submitter. Criteria: ACMG Guidelines, 2015. Collection method: curation. Allele origin: germline. Inheritance: Autosomal recessive inheritance.
Comment: The p.Ala4511_Ala4516delinsGln variant in DNAH11 has been reported, in the compound heterozygous state, in 1 individual with primary ciliary dyskinesia (Variation ID: 6475; PMID: 18022865), segregated with disease in five affected relatives from 1 family (PMID: 18022865), and has been identified in 0.0002% (2/1179550) of European (non-Finnish) chromosomes by the Genome Aggregation Database (gnomAD; dbSNP ID: rs1554294478). Although this variant has been seen in the general population in a heterozygous state, its frequency is low enough to be consistent with a recessive carrier frequency. This variant has been reported in ClinVar (Variation ID: 6476) and has been interpreted as likely pathogenic by OMIM. This variant is a deletion of 56 base pairs, including the stop codon, and is not predicted to alter the protein reading-frame. This indel is expected to impact the protein. In summary, although additional studies are required to fully establish its clinical significance, this variant is likely pathogenic for autosomal recessive primary ciliary dyskinesia. ACMG/AMP Criteria applied: PP1_strong, PM3, PM4, PM2_supporting (Richards 2015).

OMIM
Classification: Pathogenic for CILIARY DYSKINESIA, PRIMARY, 7, WITH OR WITHOUT SITUS INVERSUS. Last evaluated: 2008-02-01. Review status: no assertion criteria provided. Collection method: literature only. Allele origin: germline. Not counted in ClinVar's aggregate classification.

Literature cited by the submitters: PubMed 18022865 (cited by OMIM).